The following is an entry in ClinVar:

ClinVar aggregate classification (germline): Likely benign. Review status: criteria provided, multiple submitters, no conflicts (2 of 4 stars). 2 submissions from 2 submitters: Likely benign (2). Last evaluated 2026-03-20.

Conditions:
BBS10-related disorder. Also called: BBS10-related condition.
Bardet-Biedl syndrome (BBS). Identifiers: Orphanet 110, MedGen C0752166, MONDO:0015229.

Submissions (2):

PreventionGenetics, part of Exact Sciences
Classification: Likely benign for BBS10-related condition. Last evaluated: 2026-03-20. Review status: criteria provided, single submitter. Criteria: ACMG Guidelines, 2015. Collection method: clinical testing. Allele origin: germline.
Comment: This variant is classified as likely benign based on ACMG/AMP sequence variant interpretation guidelines (Richards et al. 2015 PMID: 25741868, with internal and published modifications).

Labcorp Genetics (formerly Invitae), Labcorp
Classification: Likely benign for Bardet-Biedl syndrome. Last evaluated: 2023-03-18. Review status: criteria provided, single submitter. Criteria: Invitae Variant Classification Sherloc (09022015). Collection method: clinical testing. Allele origin: germline.

NM_024685.4(BBS10):c.804T>C (p.Phe268=)

Gene: BBS10 (Bardet-Biedl syndrome 10; minus strand). Cytogenetic location: 12q21.2.
Variant type: single nucleotide variant.
Coding change: c.804T>C on transcript NM_024685.4 (MANE Select); coding-DNA position 804, T replaced by C.
Protein change: p.Phe268=; no amino-acid change (phenylalanine 268 retained).
Molecular consequence: synonymous variant.
Genome position (GRCh38, 1-based): chr12:76,347,181, A>G on the plus strand (T>C on the coding strand, the complement: BBS10 is on the minus strand). VCF-style: chr12-76347181-A-G. GRCh37 (hg19) VCF-style: chr12-76740961-A-G.
Other names: c.804T>C (NM_024685.3).
Identifiers: ClinVar variation 1151898 (VCV001151898.10), dbSNP rs770050659, ClinGen allele CA481011493.
Genomic context (GRCh38, chr12:76,347,181, plus strand): 5'-AAATTGAGATGTCTGAAACTGTGCTTCTGAATTTAGAATAAACTCTGATCCAGAAGTGGA[A>G]AAAAGAGGCTGAATGGTTTCTGTTACTATCACCATTCGCATGTCACCATCTGCTGGGCGG-3'
Protein context (NP_078961.3, residues 258-278): VIVTETIQPL[Phe268=]STSGSEFILN